The following is an entry in ClinVar:

NM_000535.7(PMS2):c.730C>T (p.Gln244Ter)

Gene: PMS2 (PMS1 homolog 2, mismatch repair system component; minus strand). Cytogenetic location: 7p22.1.
Variant type: single nucleotide variant.
Coding change: c.730C>T on transcript NM_000535.7 (MANE Select); coding-DNA position 730, C replaced by T.
Protein change: p.Gln244Ter; replaces glutamine 244 with a stop codon.
Molecular consequence: nonsense. On other transcripts: 5 prime UTR variant (2), non-coding transcript variant (1).
Genome position (GRCh38, 1-based): chr7:5,997,399, G>A on the plus strand (C>T on the coding strand, the complement: PMS2 is on the minus strand). VCF-style: chr7-5997399-G-A. GRCh37 (hg19) VCF-style: chr7-6037030-G-A.
Other names: c.325C>T, p.Gln109Ter (NM_001322003.2, NM_001322004.2, NM_001322005.2 and 2 more transcripts); c.730C>T, p.Gln244Ter (NM_001322006.2, NM_001322014.2); c.412C>T, p.Gln138Ter (NM_001322007.2, NM_001322008.2); c.-204C>T (NM_001322011.2, NM_001322012.2); c.157C>T, p.Gln53Ter (NM_001322013.2); c.421C>T, p.Gln141Ter (NM_001322015.2); short protein forms Q244*, Q141*, Q53*, Q109*, Q138*.
Identifiers: ClinVar variation 620098 (VCV000620098.26), dbSNP rs1562671039, ClinGen allele CA366743749.

ClinVar aggregate classification (germline): Pathogenic/Likely pathogenic. Review status: criteria provided, multiple submitters, no conflicts (2 of 4 stars). 8 submissions from 8 submitters: Pathogenic (7); Likely pathogenic (1). Last evaluated 2025-08-09.

Conditions:
Lynch syndrome 4 (LYNCH4). Also called: Colorectal cancer, hereditary nonpolyposis, type 4; Hereditary non-polyposis colorectal cancer, type 4. Identifiers: Orphanet 144, MedGen C1838333, MONDO:0013699, OMIM 614337. Disease mechanism: loss of function.
Mismatch repair cancer syndrome 4. Identifiers: MedGen C5436817, MONDO:0030843, OMIM 619101.
Hereditary cancer-predisposing syndrome. Also called: Hereditary Cancer Syndrome; Neoplastic Syndromes, Hereditary; Tumor predisposition; Hereditary neoplastic syndrome. Identifiers: Orphanet 140162, MedGen C0027672, MeSH D009386, MONDO:0015356.
Hereditary nonpolyposis colorectal neoplasms. Identifiers: MedGen C0009405, MeSH D003123.

Submissions (8):

Labcorp Genetics (formerly Invitae), Labcorp
Classification: Pathogenic for Hereditary nonpolyposis colorectal neoplasms. Last evaluated: 2025-08-09. Review status: criteria provided, single submitter. Criteria: Invitae Variant Classification Sherloc (09022015). Collection method: clinical testing. Allele origin: germline.
Comment: This sequence change creates a premature translational stop signal (p.Gln244*) in the PMS2 gene. It is expected to result in an absent or disrupted protein product. Loss-of-function variants in PMS2 are known to be pathogenic (PMID: 21376568, 24362816). This variant is not present in population databases (gnomAD no frequency). This premature translational stop signal has been observed in individual(s) with prostate cancer (PMID: 29915322). ClinVar contains an entry for this variant (Variation ID: 620098). For these reasons, this variant has been classified as Pathogenic.

GeneDx
Classification: Pathogenic. Last evaluated: 2025-05-22. Review status: criteria provided, single submitter. Criteria: GeneDx Variant Classification Process June 2021. Collection method: clinical testing. Allele origin: germline. Affected: yes.
Comment: Nonsense variant predicted to result in protein truncation or nonsense mediated decay in a gene for which loss of function is a known mechanism of disease; Not observed at significant frequency in large population cohorts (gnomAD); Observed in a patient with prostate cancer (PMID: 29915322); Truncating variants in this gene are considered pathogenic by a well-established clinical consortium and/or database; This variant is associated with the following publications: (PMID: 29915322, 32719484)

Baylor Genetics
Classification: Pathogenic for Lynch syndrome 4. Last evaluated: 2023-12-14. Review status: criteria provided, single submitter. Criteria: ACMG Guidelines, 2015. Collection method: clinical testing. Allele origin: unknown.

Myriad Genetics, Inc.
Classification: Pathogenic for Lynch syndrome 4. Last evaluated: 2023-09-19. Review status: criteria provided, single submitter. Criteria: Myriad Autosomal Dominant, Autosomal Recessive and X-Linked Classification Criteria (2023). Collection method: clinical testing. Allele origin: unknown.
Comment: This variant is considered pathogenic. This variant creates a termination codon and is predicted to result in premature protein truncation.

Color Diagnostics, LLC DBA Color Health
Classification: Pathogenic for Hereditary cancer-predisposing syndrome. Last evaluated: 2022-09-06. Review status: criteria provided, single submitter. Criteria: ACMG Guidelines, 2015. Collection method: clinical testing. Allele origin: germline.
Comment: This variant changes 1 nucleotide in exon 7 of the PMS2 gene, creating a premature translation stop signal. This variant is expected to result in an absent or non-functional protein product. This variant has been reported in an individual affected with metastatic prostate cancer (PMID: 29915322). This variant has not been identified in the general population by the Genome Aggregation Database (gnomAD). Loss of PMS2 function is a known mechanism of disease. Based on the available evidence, this variant is classified as Pathogenic.

Ambry Genetics
Classification: Pathogenic for Hereditary cancer-predisposing syndrome. Last evaluated: 2022-06-10. Review status: criteria provided, single submitter. Criteria: Ambry Variant Classification Scheme 2023. Collection method: clinical testing. Allele origin: germline.
Comment: The p.Q244* pathogenic mutation (also known as c.730C>T), located in coding exon 7 of the PMS2 gene, results from a C to T substitution at nucleotide position 730. This changes the amino acid from a glutamine to a stop codon within coding exon 7. This mutation was observed in a patient with metastatic prostate cancer (Mijuskovic M et al. Br. J. Cancer 2018 Jul;119(1):96-104). This variant is considered to be rare based on population cohorts in the Genome Aggregation Database (gnomAD). In addition to the clinical data presented in the literature, this alteration is expected to result in loss of function by premature protein truncation or nonsense-mediated mRNA decay. As such, this alteration is interpreted as a disease-causing mutation.

Quest Diagnostics Nichols Institute San Juan Capistrano
Classification: Pathogenic. Last evaluated: 2019-04-02. Review status: criteria provided, single submitter. Criteria: Quest Diagnostics criteria. Collection method: clinical testing. Allele origin: germline.
Comment: The variant creates a premature nonsense codon, and is therefore predicted to result in the loss of a functional protein. Found in at least one symptomatic patient, and not found in general population data.

Juno Genomics, Hangzhou Juno Genomics, Inc
Classification: Likely pathogenic for Lynch syndrome 4; Mismatch repair cancer syndrome 4. Review status: criteria provided, single submitter. Criteria: ACMG Guidelines, 2015. Collection method: clinical testing. Allele origin: germline.
Comment: Absent from controls (or at extremely low frequency if recessive) in Genome Aggregation Database.;Null variant in a gene where loss of function (LOF) is a known mechanism of disease.

Literature cited by the submitters: PubMed 21376568 (cited by Labcorp Genetics (formerly Invitae), Labcorp); PubMed 24362816 (cited by Labcorp Genetics (formerly Invitae), Labcorp); PubMed 29915322 (cited by 3 submitters); PubMed 30837682 (cited by Quest Diagnostics Nichols Institute San Juan Capistrano).